The following is an entry in ClinVar:

ClinVar aggregate classification (germline): Uncertain significance (1 of 4 stars; one submission).

Conditions:
Heterotopia, periventricular, X-linked dominant (PVNH1). Also called: PERIVENTRICULAR NODULAR HETEROTOPIA 1; X-linked periventricular heterotopia; PERIVENTRICULAR NODULAR HETEROTOPIA 4; HETEROTOPIA, PERIVENTRICULAR, 1. Identifiers: Orphanet 2149, Orphanet 82004, MedGen C1848213, MONDO:0010233, OMIM 300049.
Melnick-Needles syndrome (MNS). Also called: MELNICK-NEEDLES OSTEODYSPLASTY; OSTEODYSPLASTY OF MELNICK AND NEEDLES; Melnick-Needles Syndrome (FLNA-MNS). Identifiers: Orphanet 2484, MedGen C0025237, MONDO:0010650, OMIM 309350.
Frontometaphyseal dysplasia (FMD1). Identifiers: Orphanet 1826, MedGen C0265293, MONDO:0015942.
Oto-palato-digital syndrome, type II (OPD2). Also called: OPD II SYNDROME; FACIOPALATOOSSEOUS SYNDROME; Otopalatodigital Syndrome Type 2 (FLNA-OPD2); Otopalatodigital Syndrome, Type II. Identifiers: Orphanet 669, Orphanet 90652, MedGen C1844696, MONDO:0010571, OMIM 304120.

Allele frequency attached by ClinVar (database versions not stated): TOPMed below 0.00001.

Submission:

Labcorp Genetics (formerly Invitae), Labcorp
Classification: Uncertain significance for Oto-palato-digital syndrome, type II; Heterotopia, periventricular, X-linked dominant; Frontometaphyseal dysplasia; Melnick-Needles syndrome. Last evaluated: 2024-10-30. Review status: criteria provided, single submitter. Criteria: Invitae Variant Classification Sherloc (09022015). Collection method: clinical testing. Allele origin: germline.
Comment: This sequence change falls in intron 35 of the FLNA gene. It does not directly change the encoded amino acid sequence of the FLNA protein. It affects a nucleotide within the consensus splice site. This variant is not present in population databases (gnomAD no frequency). This variant has not been reported in the literature in individuals affected with FLNA-related conditions. ClinVar contains an entry for this variant (Variation ID: 1050868). Variants that disrupt the consensus splice site are a relatively common cause of aberrant splicing (PMID: 17576681, 9536098). Algorithms developed to predict the effect of sequence changes on RNA splicing suggest that this variant is not likely to affect RNA splicing. In summary, the available evidence is currently insufficient to determine the role of this variant in disease. Therefore, it has been classified as a Variant of Uncertain Significance.

Literature cited by the submitters: PubMed 17576681; PubMed 9536098.

NM_001110556.2(FLNA):c.5860+3G>A

Gene: FLNA (filamin A; minus strand). Cytogenetic location: Xq28.
Variant type: single nucleotide variant.
Coding change: c.5860+3G>A on transcript NM_001110556.2 (MANE Select); 3 bases into the intron after coding-DNA position 5860, G replaced by A.
Molecular consequence: intron variant.
Genome position (GRCh38, 1-based): chrX:154,353,551, C>T on the plus strand (G>A on the coding strand, the complement: FLNA is on the minus strand). VCF-style: chrX-154353551-C-T. GRCh37 (hg19) VCF-style: chrX-153581919-C-T.
Other names: c.5836+3G>A (NM_001456.4).
Identifiers: ClinVar variation 1050868 (VCV001050868.7), dbSNP rs2067638896, ClinGen allele CA2466653363.